The following is an entry in ClinVar:

NM_000465.4(BARD1):c.2280G>T (p.Ser760=)

Gene: BARD1 (BRCA1 associated RING domain 1; minus strand). Cytogenetic location: 2q35.
Variant type: single nucleotide variant.
Coding change: c.2280G>T on transcript NM_000465.4 (MANE Select); coding-DNA position 2280, G replaced by T.
Protein change: p.Ser760=; no amino-acid change (serine 760 retained).
Molecular consequence: synonymous variant. On other transcripts: non-coding transcript variant (3).
Genome position (GRCh38, 1-based): chr2:214,728,730, C>A on the plus strand (G>T on the coding strand, the complement: BARD1 is on the minus strand). VCF-style: chr2-214728730-C-A. GRCh37 (hg19) VCF-style: chr2-215593454-C-A.
Other names: c.2223G>T, p.Ser741= (NM_001282543.2); c.927G>T, p.Ser309= (NM_001282545.2); c.870G>T, p.Ser290= (NM_001282548.2); c.741G>T, p.Ser247= (NM_001282549.2).
Identifiers: ClinVar variation 2450473 (VCV002450473.3), dbSNP rs749959440, ClinGen allele CA431392588.

ClinVar aggregate classification (germline): Benign/Likely benign. Review status: criteria provided, multiple submitters, no conflicts (2 of 4 stars). 2 submissions from 2 submitters: Benign (1); Likely benign (1). Last evaluated 2024-07-30.

Conditions:
Familial cancer of breast. Also called: BREAST CANCER, FAMILIAL; Hereditary breast cancer; hereditary breast carcinoma. Identifiers: Orphanet 227535, MedGen C0346153, MONDO:0016419, OMIM 114480. Disease mechanism: loss of function.
Hereditary cancer-predisposing syndrome. Also called: Neoplastic Syndromes, Hereditary; Tumor predisposition; Hereditary neoplastic syndrome; Hereditary Cancer Syndrome. Identifiers: Orphanet 140162, MedGen C0027672, MeSH D009386, MONDO:0015356.

Submissions (2):

Myriad Genetics, Inc.
Classification: Benign for Familial cancer of breast. Last evaluated: 2024-07-30. Review status: criteria provided, single submitter. Criteria: Myriad Autosomal Dominant, Autosomal Recessive and X-Linked Classification Criteria (2023). Collection method: clinical testing. Allele origin: unknown.
Comment: This variant is considered benign. This variant is a silent/synonymous amino acid change and it is not expected to impact splicing.

Ambry Genetics
Classification: Likely benign for Hereditary cancer-predisposing syndrome. Last evaluated: 2023-01-01. Review status: criteria provided, single submitter. Criteria: Ambry Variant Classification Scheme 2023. Collection method: clinical testing. Allele origin: germline.